The following is an entry in ClinVar:

ClinVar aggregate classification (germline): Pathogenic/Likely pathogenic. Review status: criteria provided, multiple submitters, no conflicts (2 of 4 stars). 2 submissions from 2 submitters: Pathogenic (1); Likely pathogenic (1). Last evaluated 2026-01-13.

Conditions:
Hereditary cancer-predisposing syndrome. Also called: Hereditary neoplastic syndrome; Neoplastic Syndromes, Hereditary; Tumor predisposition; Hereditary Cancer Syndrome. Identifiers: Orphanet 140162, MedGen C0027672, MeSH D009386, MONDO:0015356.
Lynch syndrome 4 (LYNCH4). Also called: Colorectal cancer, hereditary nonpolyposis, type 4; Hereditary non-polyposis colorectal cancer, type 4. Identifiers: Orphanet 144, MedGen C1838333, MONDO:0013699, OMIM 614337. Disease mechanism: loss of function.

Submissions (2):

Myriad Genetics, Inc.
Classification: Pathogenic for Lynch syndrome 4. Last evaluated: 2026-01-13. Review status: criteria provided, single submitter. Criteria: Myriad Autosomal Dominant, Autosomal Recessive and X-Linked Classification Criteria (2023). Collection method: clinical testing. Allele origin: unknown.
Comment: This variant is considered pathogenic. This variant creates a frameshift predicted to result in premature protein truncation.

Ambry Genetics
Classification: Likely pathogenic for Hereditary cancer-predisposing syndrome. Last evaluated: 2025-02-08. Review status: criteria provided, single submitter. Criteria: Ambry Variant Classification Scheme 2023. Collection method: clinical testing. Allele origin: germline.
Comment: The c.2438_2442delGGAAG variant, located in coding exon 14 of the PMS2 gene, results from a deletion of 5 nucleotides at nucleotide positions 2438 to 2442, causing a translational frameshift with a predicted alternate stop codon (p.R813Lfs*9). This alteration is expected to result in loss of function by premature protein truncation. Based on the majority of available evidence to date, this variant is likely to be pathogenic.

NM_000535.7(PMS2):c.2438_2442del (p.Arg813fs)

Gene: PMS2 (PMS1 homolog 2, mismatch repair system component; minus strand). Cytogenetic location: 7p22.1.
Variant type: Deletion.
Coding change: c.2438_2442del on transcript NM_000535.7 (MANE Select); coding-DNA positions 2438 to 2442, 5 bases deleted (GGAAG; older notation c.2438_2442delGGAAG).
Protein change: p.Arg813fs; shifts the reading frame from arginine 813.
Molecular consequence: frameshift variant. On other transcripts: non-coding transcript variant (1).
Genome position (GRCh38, 1-based): chr7:5,977,591-5,977,595, CTTCC deleted on the plus strand (GGAAG on the coding strand, the reverse complement: PMS2 is on the minus strand). VCF-style (leftmost placement, unchanged base first): chr7-5977590-ACTTCC-A. GRCh37 (hg19) VCF-style: chr7-6017221-ACTTCC-A.
Other names: c.2033_2037delGGAAG, p.Arg678Leufs (NM_001018040.1, NM_001406889.1, NM_001406890.1 and 9 more transcripts); c.2033_2037del, p.Arg678fs (NM_001322003.2, NM_001322004.2, NM_001322005.2); c.2282_2286del, p.Arg761fs (NM_001322006.2); c.2120_2124del, p.Arg707fs (NM_001322007.2, NM_001322008.2); c.2066_2070del, p.Arg689fs (NM_001322009.2); c.1877_1881del, p.Arg626fs (NM_001322010.2); c.1505_1509del, p.Arg502fs (NM_001322011.2, NM_001322012.2); c.1865_1869del, p.Arg622fs (NM_001322013.2); and 26 more; short protein forms R622fs, R689fs, R761fs, R502fs, R626fs, R678fs, R710fs, R824fs.
Identifiers: ClinVar variation 1791250 (VCV001791250.4), dbSNP rs2535307156, ClinGen allele CA2578823627.
Genomic context (GRCh38, chr7:5,977,590, plus strand): 5'-ACCTTCCTCGACTGCAAGCTTGAGCAGCTGAGCTGACAGCCAGGCTTTCTTTACTTACCG[ACTTCC>A]GGCAGGCTCTGGAGGCAAACATCTGCTTGACTCGGGAAGGCCGGCACATGACCCCAGGGC-3'